The following is an entry in ClinVar:

ClinVar aggregate classification (germline): Uncertain significance (1 of 4 stars; one submission).

Submission:

GeneDx
Classification: Uncertain significance. Last evaluated: 2022-05-23. Review status: criteria provided, single submitter. Criteria: GeneDx Variant Classification Process June 2021. Collection method: clinical testing. Allele origin: germline. Affected: yes.
Comment: Not observed at significant frequency in large population cohorts (gnomAD); In silico analysis supports that this missense variant has a deleterious effect on protein structure/function; Has not been previously published as pathogenic or benign to our knowledge

NM_001172509.2(SATB2):c.373C>T (p.Pro125Ser)

Gene: SATB2 (SATB homeobox 2; minus strand). Cytogenetic location: 2q33.1.
Variant type: single nucleotide variant.
Coding change: c.373C>T on transcript NM_001172509.2 (MANE Select); coding-DNA position 373, C replaced by T.
Protein change: p.Pro125Ser; replaces proline 125 with serine.
Molecular consequence: missense variant.
Genome position (GRCh38, 1-based): chr2:199,381,794, G>A on the plus strand (C>T on the coding strand, the complement: SATB2 is on the minus strand). VCF-style: chr2-199381794-G-A. GRCh37 (hg19) VCF-style: chr2-200246517-G-A.
Other names: c.373C>T, p.Pro125Ser (NM_001172517.1, NM_015265.4); short protein forms P125S.
Identifiers: ClinVar variation 1801025 (VCV001801025.1), dbSNP rs2468949021, ClinGen allele CA350389244.
Genomic context (GRCh38, chr2:199,381,794, plus strand): 5'-CTTGTAGCATGTCGGCCACTGTCGCGTCGGGTGCATCTGTCACATAACTGAGGGGGAGAG[G>A]GTTCCACCTTCCCAGCTTGATTATTCCTGCACAGGGAAGAAAAACATAATAAACACATAT-3'
Protein context (NP_001165980.1, residues 115-135): QGIIKLGRWN[Pro125Ser]LPLSYVTDAP